The following is an entry in ClinVar:

NM_017636.4(TRPM4):c.3405A>C (p.Ala1135=)

Gene: TRPM4 (transient receptor potential cation channel subfamily M member 4; plus strand). Cytogenetic location: 19q13.33.
Variant type: single nucleotide variant.
Coding change: c.3405A>C on transcript NM_017636.4 (MANE Select); coding-DNA position 3405, A replaced by C.
Protein change: p.Ala1135=; no amino-acid change (alanine 1135 retained).
Molecular consequence: synonymous variant.
Genome position (GRCh38, 1-based): chr19:49,210,786, A>C. VCF-style: chr19-49210786-A-C. GRCh37 (hg19) VCF-style: chr19-49714043-A-C.
Other names: c.2970A>C, p.Ala990= (NM_001195227.2); c.3060A>C, p.Ala1020= (NM_001321281.2); c.1797A>C, p.Ala599= (NM_001321282.2); c.2883A>C, p.Ala961= (NM_001321283.2); c.2343A>C, p.Ala781= (NM_001321285.2).
Identifiers: ClinVar variation 241178 (VCV000241178.25), dbSNP rs144647383, ClinGen allele CA9569894.

ClinVar aggregate classification (germline): Benign. Review status: criteria provided, multiple submitters, no conflicts (2 of 4 stars). 7 submissions from 7 submitters: Benign (7). Last evaluated 2026-02-03.

Conditions:
Cardiovascular phenotype. Identifiers: MedGen CN230736.
Progressive familial heart block type IB (PFHB1B). Identifiers: Orphanet 871, MedGen C1970298, MONDO:0011474, OMIM 604559.

Allele frequency attached by ClinVar (database versions not stated): gnomAD exomes 0.00108; ExAC 0.00145; ESP Exome Variant Server 0.00423; gnomAD 0.00426 and 0.00450; TOPMed 0.00503; 1000 Genomes Project 0.00639; 1000 Genomes Project 30x 0.00734.
gnomAD v4.1: 1,257 of 1,613,956 alleles (0.078%); highest among the groups gnomAD compares: African/African-American, 1.5%; 16 homozygotes.

Submissions (7):

Labcorp Genetics (formerly Invitae), Labcorp
Classification: Benign for Progressive familial heart block type IB. Last evaluated: 2026-02-03. Review status: criteria provided, single submitter. Criteria: Invitae Variant Classification Sherloc (09022015). Collection method: clinical testing. Allele origin: germline.

Molecular Diagnostic Laboratory for Inherited Cardiovascular Disease, Montreal Heart Institute
Classification: Benign. Last evaluated: 2025-04-09. Review status: criteria provided, single submitter. Criteria: ACMG Guidelines, 2015. Collection method: clinical testing. Allele origin: germline. Affected: no.

Women's Health and Genetics/Laboratory Corporation of America, LabCorp
Classification: Benign. Last evaluated: 2024-04-09. Review status: criteria provided, single submitter. Criteria: LabCorp Variant Classification Summary - May 2015. Collection method: clinical testing. Allele origin: germline.
Comment: Variant summary: TRPM4 c.3405A>C results in a synonymous change. Several computational tools predict a significant impact on normal splicing: One predict the variant strengthens a cryptic 3' acceptor site. Two predict the variant creates the cryptic 3' acceptor site. One predict the variant no significant impact on splicing. However, these predictions have yet to be confirmed by functional studies. The variant allele was found at a frequency of 0.0011 in 249632 control chromosomes in the gnomAD database, including 7 homozygotes. The observed variant frequency is approximately 432 fold of the estimated maximal expected allele frequency for a pathogenic variant in TRPM4 causing Progressive Familial Heart Block Type 1B phenotype (2.5e-06), strongly suggesting that the variant is benign. To our knowledge, no occurrence of c.3405A>C in individuals affected with Progressive Familial Heart Block Type 1B and no experimental evidence demonstrating its impact on protein function have been reported. ClinVar contains an entry for this variant (Variation ID: 241178). Based on the evidence outlined above, the variant was classified as benign.

ARUP Laboratories, Molecular Genetics and Genomics, ARUP Laboratories
Classification: Benign. Last evaluated: 2019-12-27. Review status: criteria provided, single submitter. Criteria: ARUP Molecular Germline Variant Investigation Process. Collection method: clinical testing. Allele origin: germline.

GeneDx
Classification: Benign. Last evaluated: 2017-02-13. Review status: criteria provided, single submitter. Criteria: GeneDx Variant Classification (06012015). Collection method: clinical testing. Allele origin: germline. Affected: yes.
Comment: This variant is considered likely benign or benign based on one or more of the following criteria: it is a conservative change, it occurs at a poorly conserved position in the protein, it is predicted to be benign by multiple in silico algorithms, and/or has population frequency not consistent with disease.

Ambry Genetics
Classification: Benign for Cardiovascular phenotype. Last evaluated: 2016-01-15. Review status: criteria provided, single submitter. Criteria: Ambry Variant Classification Scheme 2023. Collection method: clinical testing. Allele origin: germline.

Breakthrough Genomics
Classification: Benign. Review status: criteria provided, single submitter. Criteria: ACMG Guidelines, 2015. Collection method: not provided. Allele origin: germline. Inheritance: Autosomal dominant inheritance. Affected: yes.